The following is an entry in ClinVar:

NM_001006658.3(CR2):c.3100C>G (p.Pro1034Ala)

Gene: CR2 (complement C3d receptor 2; plus strand). Cytogenetic location: 1q32.2.
Variant type: single nucleotide variant.
Coding change: c.3100C>G on transcript NM_001006658.3 (MANE Select); coding-DNA position 3100, C replaced by G.
Protein change: p.Pro1034Ala; replaces proline 1034 with alanine.
Molecular consequence: missense variant.
Genome position (GRCh38, 1-based): chr1:207,479,268, C>G. VCF-style: chr1-207479268-C-G. GRCh37 (hg19) VCF-style: chr1-207652613-C-G.
Other names: c.2923C>G, p.Pro975Ala (NM_001877.5); short protein forms P1034A, P975A.
Identifiers: ClinVar variation 568394 (VCV000568394.8), dbSNP rs1558196448, ClinGen allele CA344542001.

ClinVar aggregate classification (germline): Uncertain significance (1 of 4 stars; one submission).

Conditions:
Immunodeficiency, common variable, 7. Identifiers: Orphanet 1572, Orphanet 696894, MedGen C3542922, MONDO:0013862, OMIM 614699.

gnomAD v4.1: 1 of 1,598,710 alleles (0.000063%); highest among the groups gnomAD compares: Non-Finnish European, 0.000086%; no homozygotes.

Submission:

Labcorp Genetics (formerly Invitae), Labcorp
Classification: Uncertain significance for Immunodeficiency, common variable, 7. Last evaluated: 2023-08-24. Review status: criteria provided, single submitter. Criteria: Invitae Variant Classification Sherloc (09022015). Collection method: clinical testing. Allele origin: germline.
Comment: This sequence change replaces proline, which is neutral and non-polar, with alanine, which is neutral and non-polar, at codon 1034 of the CR2 protein (p.Pro1034Ala). This variant is not present in population databases (gnomAD no frequency). This variant has not been reported in the literature in individuals affected with CR2-related conditions. ClinVar contains an entry for this variant (Variation ID: 568394). An algorithm developed to predict the effect of missense changes on protein structure and function (PolyPhen-2) suggests that this variant is likely to be tolerated. In summary, the available evidence is currently insufficient to determine the role of this variant in disease. Therefore, it has been classified as a Variant of Uncertain Significance.